The following is an entry in ClinVar:

ClinVar aggregate classification (germline): Uncertain significance. Review status: criteria provided, multiple submitters, no conflicts (2 of 4 stars). 2 submissions from 2 submitters: Uncertain significance (2). Last evaluated 2025-12-22.

Conditions:
RASopathy. Also called: rasopathies; Noonan spectrum disorder. Identifiers: Orphanet 536391, MedGen C5555857, MONDO:0021060.

Allele frequency attached by ClinVar (database versions not stated): gnomAD 0.00001.

Submissions (2):

Labcorp Genetics (formerly Invitae), Labcorp
Classification: Uncertain significance for RASopathy. Last evaluated: 2025-12-22. Review status: criteria provided, single submitter. Criteria: Invitae Variant Classification Sherloc (09022015). Collection method: clinical testing. Allele origin: germline.
Comment: This variant, c.1895_1918del, is a complex sequence change that results in the deletion of 9 and insertion of 1 amino acid(s) in the RAF1 protein (p.Glu632_Thr640delinsAla). This variant is not present in population databases (gnomAD no frequency). This variant has been observed in individual(s) with RAF1-related conditions (PMID: 6959127). ClinVar contains an entry for this variant (Variation ID: 928992). Experimental studies and prediction algorithms are not available or were not evaluated, and the functional significance of this variant is currently unknown. In summary, the available evidence is currently insufficient to determine the role of this variant in disease. Therefore, it has been classified as a Variant of Uncertain Significance.

Women's Health and Genetics/Laboratory Corporation of America, LabCorp
Classification: Uncertain significance. Last evaluated: 2019-10-22. Review status: criteria provided, single submitter. Criteria: LabCorp Variant Classification Summary - May 2015. Collection method: clinical testing. Allele origin: germline.
Comment: Variant summary: RAF1 c.1895_1918del24 (p.Glu632_Thr640delinsAla) results in an in-frame deletion-insertion that is predicted to delete 9 amino acids and insert one amino acid. The variant was absent in 251278 control chromosomes (gnomAD). To our knowledge, no occurrence of c.1895_1918del24 in individuals affected with Noonan Syndrome and Related Conditions and no experimental evidence demonstrating its impact on protein function have been reported. No clinical diagnostic laboratories have submitted clinical-significance assessments for this variant to ClinVar after 2014. Based on the evidence outlined above, the variant was classified as VUS.

Literature cited by the submitters: PubMed 6959127 (cited by Labcorp Genetics (formerly Invitae), Labcorp).

NM_002880.4(RAF1):c.1895_1918del (p.Glu632_Thr640delinsAla)

Gene: RAF1 (Raf-1 proto-oncogene, serine/threonine kinase; minus strand). Cytogenetic location: 3p25.2.
Variant type: Deletion.
Coding change: c.1895_1918del on transcript NM_002880.4 (MANE Select); coding-DNA positions 1895 to 1918, 24 bases deleted (AGGATATCAATGCTTGCACGCTGA).
Protein change: p.Glu632_Thr640delinsAla.
Molecular consequence: inframe indel. On other transcripts: non-coding transcript variant (3).
Genome position (GRCh38, 1-based): chr3:12,584,543-12,584,566, TCAGCGTGCAAGCATTGATATCCT deleted on the plus strand (AGGATATCAATGCTTGCACGCTGA on the coding strand, the reverse complement: RAF1 is on the minus strand). VCF-style (leftmost placement, unchanged base first): chr3-12584542-GTCAGCGTGCAAGCATTGATATCCT-G. GRCh37 (hg19) VCF-style: chr3-12626041-GTCAGCGTGCAAGCATTGATATCCT-G.
Other names: c.1955_1978del, p.Glu652_Thr660delinsAla (NM_001354689.3); c.1895_1918del, p.Glu632_Thr640delinsAla (NM_001354690.3); c.1652_1675del, p.Glu551_Thr559delinsAla (NM_001354691.3, NM_001354692.3); c.1796_1819del, p.Glu599_Thr607delinsAla (NM_001354693.3); c.1712_1735del, p.Glu571_Thr579delinsAla (NM_001354694.3); c.1553_1576del, p.Glu518_Thr526delinsAla (NM_001354695.3).
Identifiers: ClinVar variation 928992 (VCV000928992.3), dbSNP rs2058255431, ClinGen allele CA1045171235.
Genomic context (GRCh38, chr3:12,584,542, plus strand): 5'-CCCTGGCAGCCTGAAGACAGGTGCAAAGTCAACTAGAAGACAGGCAGCCTCGGGGACGTG[GTCAGCGTGCAAGCATTGATATCCT>G]CAGTGTGGGCTGCCCGATGCAAGGATGGCTCGGAAGCGCTCCGGTTGATCTTCGGTAGAG-3'